The following is an entry in ClinVar:

NM_130849.4(SLC39A4):c.193-115G>A

Gene: SLC39A4 (solute carrier family 39 member 4; minus strand). Cytogenetic location: 8q24.3.
Variant type: single nucleotide variant.
Coding change: c.193-115G>A on transcript NM_130849.4 (MANE Select); 115 bases into the intron before coding-DNA position 193, G replaced by A.
Molecular consequence: intron variant. On other transcripts: missense variant (1), initiator codon variant (1).
Genome position (GRCh38, 1-based): chr8:144,416,206, C>T on the plus strand (G>A on the coding strand, the complement: SLC39A4 is on the minus strand). VCF-style: chr8-144416206-C-T. GRCh37 (hg19) VCF-style: chr8-145641590-C-T.
Other names: c.3G>A, p.Met1Ile (NM_017767.3); short protein forms M1I.
Identifiers: ClinVar variation 489184 (VCV000489184.3), dbSNP rs868965944, ClinGen allele CA187651561.
Genomic context (GRCh38, chr8:144,416,206, plus strand): 5'-CAGGCCTGGCCAGGGGCTTCCCCGAGGGCCTGTTTCCCTTTCAAGTCCAACAACGTCCAC[C>T]ATCCTCTCTCAACCCCTGGCGCCCTTCCGTCTCCCCAGGCCCCTGTCCTGCTTCCCCAAC-3'

ClinVar aggregate classification (germline): Uncertain significance (1 of 4 stars; one submission).

Allele frequency attached by ClinVar (database versions not stated): gnomAD exomes below 0.00001.

Submission:

GeneDx
Classification: Uncertain significance. Last evaluated: 2017-12-05. Review status: criteria provided, single submitter. Criteria: GeneDx Variant Classification (06012015). Collection method: clinical testing. Allele origin: germline. Affected: yes.
Comment: The c.3 G>A variant in the SLC39A4 gene has not been reported previously as a pathogenic variant, nor as a benign variant, to our knowledge. As this variant changes the translation initiator Methionine codon, the resultant protein is described as p.Met1?, using a question mark to signify that it is not known if the loss of Met1 means that all protein translation is completely prevented or if an abnormal protein is produced using an alternate Methionine. The c.3 G>A variant is not observed in large population cohorts (Lek et al., 2016). We interpret c.3 G>A as a variant of uncertain significance.